The following is an entry in ClinVar:

NM_014334.4(FRRS1L):c.732A>G (p.Ile244Met)

Gene: FRRS1L (ferric chelate reductase 1 like; minus strand). Cytogenetic location: 9q31.3.
Variant type: single nucleotide variant.
Coding change: c.732A>G on transcript NM_014334.4 (MANE Select); coding-DNA position 732, A replaced by G.
Protein change: p.Ile244Met; replaces isoleucine 244 with methionine.
Molecular consequence: missense variant.
Genome position (GRCh38, 1-based): chr9:109,137,605, T>C on the plus strand (A>G on the coding strand, the complement: FRRS1L is on the minus strand). VCF-style: chr9-109137605-T-C. GRCh37 (hg19) VCF-style: chr9-111899885-T-C.
Other names: short protein forms I244M.
Identifiers: ClinVar variation 542864 (VCV000542864.12), dbSNP rs369428108, ClinGen allele CA5177325.
Genomic context (GRCh38, chr9:109,137,605, plus strand): 5'-CATAAAAATGTCTTCATACTTGTAAATACTGACAACACGCTCTGAAGCCGGCGGTGAGTC[T>C]ATATCATGTCGAGTGATAGAGCCTTTAAGAAAAAAAGAGAAGAGCAGGGGCAATTGAAAA-3'
Protein context (NP_055149.3, residues 234-254): AIQGSITRHD[Ile244Met]DSPPASERVV

ClinVar aggregate classification (germline): Uncertain significance. Review status: criteria provided, multiple submitters, no conflicts (2 of 4 stars). 4 submissions from 4 submitters: Uncertain significance (4). Last evaluated 2026-07-29.

Conditions:
Developmental and epileptic encephalopathy, 37 (DEE37). Also called: Epileptic encephalopathy, early infantile, 37. Identifiers: MedGen C4310770, MONDO:0014859, OMIM 616981.
Inborn genetic diseases. Identifiers: MedGen C0950123, MeSH D030342.

Allele frequency attached by ClinVar (database versions not stated): gnomAD exomes 0.00001 and 0.00008; ExAC 0.00002; gnomAD 0.00003; TOPMed 0.00005; ESP Exome Variant Server 0.00008.
gnomAD v4.1: 133 of 1,597,492 alleles (0.0083%); highest among the groups gnomAD compares: Non-Finnish European, 0.0098%; no homozygotes.

Submissions (4):

GeneDx
Classification: Uncertain significance. Last evaluated: 2026-07-29. Review status: criteria provided, single submitter. Criteria: GeneDx Variant Classification Process June 2021. Collection method: clinical testing. Allele origin: germline.
Comment: Reported in heterozygous state among >500 exomes of individuals with neurodegenerative disease of unknown etiology; additional clinical and segregation information not provided (PMID: 27236917); Not observed at significant frequency in large population cohorts (gnomAD); In silico analysis supports that this missense variant has a deleterious effect on protein structure/function; Also known as c.885A>G; p.(I295M); This variant is associated with the following publications: (PMID: 27236917)

Ambry Genetics
Classification: Uncertain significance for Inborn genetic diseases. Last evaluated: 2025-12-18. Review status: criteria provided, single submitter. Criteria: Ambry Variant Classification Scheme 2023. Collection method: clinical testing. Allele origin: germline.
Comment: The c.885A>G (p.I295M) alteration is located in exon 5 (coding exon 5) of the FRRS1L gene. This alteration results from a A to G substitution at nucleotide position 885, causing the isoleucine (I) at amino acid position 295 to be replaced by a methionine (M). Based on data from gnomAD, the G allele has an overall frequency of 0.001% (3/246200) total alleles studied. The highest observed frequency was 0.003% (3/111932) of European (non-Finnish) alleles. This amino acid position is highly conserved in available vertebrate species. This alteration is predicted to be tolerated by in silico analysis. Based on insufficient or conflicting evidence, the clinical significance of this alteration remains unclear.

Labcorp Genetics (formerly Invitae), Labcorp
Classification: Uncertain significance for Developmental and epileptic encephalopathy, 37. Last evaluated: 2022-08-23. Review status: criteria provided, single submitter. Criteria: Invitae Variant Classification Sherloc (09022015). Collection method: clinical testing. Allele origin: germline.
Comment: This sequence change replaces isoleucine, which is neutral and non-polar, with methionine, which is neutral and non-polar, at codon 295 of the FRRS1L protein (p.Ile295Met). This variant is present in population databases (rs369428108, gnomAD 0.004%). This missense change has been observed in individual(s) with a neurodegenerative disease (PMID: 27236917). ClinVar contains an entry for this variant (Variation ID: 542864). Algorithms developed to predict the effect of missense changes on protein structure and function are either unavailable or do not agree on the potential impact of this missense change (SIFT: "Tolerated"; PolyPhen-2: "Possibly Damaging"; Align-GVGD: "Class C0"). In summary, the available evidence is currently insufficient to determine the role of this variant in disease. Therefore, it has been classified as a Variant of Uncertain Significance.

Breakthrough Genomics
Classification: Uncertain significance. Review status: criteria provided, single submitter. Criteria: ACMG Guidelines, 2015. Collection method: not provided. Allele origin: germline. Inheritance: Autosomal recessive inheritance. Affected: yes.

Literature cited by the submitters: PubMed 27236917 (cited by Labcorp Genetics (formerly Invitae), Labcorp).